The following is an entry in ClinVar:

ClinVar aggregate classification (germline): Conflicting classifications of pathogenicity. Review status: criteria provided, conflicting classifications (1 of 4 stars). 2 submissions from 2 submitters: Uncertain significance (1); Likely benign (1). Last evaluated 2024-09-12.

Conditions:
Catecholaminergic polymorphic ventricular tachycardia 1. Also called: RYR2-Related Catecholaminergic Polymorphic Ventricular Tachycardia; VENTRICULAR TACHYCARDIA, CATECHOLAMINERGIC POLYMORPHIC, 1, WITH OR WITHOUT ATRIAL DYSFUNCTION AND/OR DILATED CARDIOMYOPATHY; VENTRICULAR TACHYCARDIA, STRESS-INDUCED POLYMORPHIC 1. Identifiers: Orphanet 3286, MedGen C1631597, MONDO:0011484, OMIM 604772.
Cardiomyopathy (CMYO). Also called: Cardiomyopathies. Identifiers: Orphanet 167848, MedGen C0878544, MONDO:0004994, HP:0001638. Inheritance: Various modes of inheritance.

Allele frequency attached by ClinVar (database versions not stated): ExAC 0.00002.
gnomAD v4.1: 3 of 1,574,062 alleles (0.00019%); highest among the groups gnomAD compares: Non-Finnish European, 0.00026%; no homozygotes.

Submissions (2):

Labcorp Genetics (formerly Invitae), Labcorp
Classification: Likely benign for Catecholaminergic polymorphic ventricular tachycardia 1. Last evaluated: 2024-09-12. Review status: criteria provided, single submitter. Criteria: Invitae Variant Classification Sherloc (09022015). Collection method: clinical testing. Allele origin: germline.

Color Diagnostics, LLC DBA Color Health
Classification: Uncertain significance for Cardiomyopathy. Last evaluated: 2022-05-06. Review status: criteria provided, single submitter. Criteria: ACMG Guidelines, 2015. Collection method: clinical testing. Allele origin: germline.
Comment: This variant causes a C to A nucleotide substitution at the -9 position of intron 4 of the RYR2 gene. Splice prediction tools and conservation analysis are inconclusive regarding the impact of this variant on RNA splicing. To our knowledge, functional studies have not been reported for this variant. This variant has not been reported in individuals affected with cardiovascular disorders in the literature. This variant has not been identified in the general population by the Genome Aggregation Database (gnomAD). The available evidence is insufficient to determine the role of this variant in disease conclusively. Therefore, this variant is classified as a Variant of Uncertain Significance.

NM_001035.3(RYR2):c.295-9C>A

Gene: RYR2 (ryanodine receptor 2; plus strand). Cytogenetic location: 1q43.
Variant type: single nucleotide variant.
Coding change: c.295-9C>A on transcript NM_001035.3 (MANE Select); 9 bases into the intron before coding-DNA position 295, C replaced by A.
Molecular consequence: intron variant.
Genome position (GRCh38, 1-based): chr1:237,364,349, C>A. VCF-style: chr1-237364349-C-A. GRCh37 (hg19) VCF-style: chr1-237527649-C-A.
Identifiers: ClinVar variation 2732861 (VCV002732861.4), dbSNP rs760744943, ClinGen allele CA086254.